The following is an entry in ClinVar:

NM_024577.4(SH3TC2):c.1346A>G (p.Asp449Gly)

Gene: SH3TC2 (SH3 domain and tetratricopeptide repeats 2; minus strand). Cytogenetic location: 5q32.
Variant type: single nucleotide variant.
Coding change: c.1346A>G on transcript NM_024577.4 (MANE Select); coding-DNA position 1346, A replaced by G.
Protein change: p.Asp449Gly; replaces aspartic acid 449 with glycine.
Molecular consequence: missense variant.
Genome position (GRCh38, 1-based): chr5:149,028,386, T>C on the plus strand (A>G on the coding strand, the complement: SH3TC2 is on the minus strand). VCF-style: chr5-149028386-T-C. GRCh37 (hg19) VCF-style: chr5-148407949-T-C.
Other names: short protein forms D449G.
Identifiers: ClinVar variation 1424943 (VCV001424943.6), dbSNP rs1489505012, ClinGen allele CA361669056.

ClinVar aggregate classification (germline): Uncertain significance (1 of 4 stars; one submission).

Conditions:
Charcot-Marie-Tooth disease type 4. Also called: Charcot-Marie-Tooth, Type 4; Charcot-Marie-Tooth disease, type IV. Identifiers: Orphanet 64749, MedGen C4082197, MONDO:0018995.

Allele frequency attached by ClinVar (database versions not stated): gnomAD exomes below 0.00001 and 0.00001.
gnomAD v4.1: 13 of 1,614,070 alleles (0.00081%); highest among the groups gnomAD compares: Non-Finnish European, 0.0011%; no homozygotes.

Submission:

Labcorp Genetics (formerly Invitae), Labcorp
Classification: Uncertain significance for Charcot-Marie-Tooth disease type 4. Last evaluated: 2021-06-16. Review status: criteria provided, single submitter. Criteria: Invitae Variant Classification Sherloc (09022015). Collection method: clinical testing. Allele origin: germline.
Comment: This variant is not present in population databases (ExAC no frequency). In summary, the available evidence is currently insufficient to determine the role of this variant in disease. Therefore, it has been classified as a Variant of Uncertain Significance. Advanced modeling of protein sequence and biophysical properties (such as structural, functional, and spatial information, amino acid conservation, physicochemical variation, residue mobility, and thermodynamic stability) performed at Invitae indicates that this missense variant is not expected to disrupt SH3TC2 protein function. This variant has not been reported in the literature in individuals with SH3TC2-related conditions. This sequence change replaces aspartic acid with glycine at codon 449 of the SH3TC2 protein (p.Asp449Gly). The aspartic acid residue is highly conserved and there is a moderate physicochemical difference between aspartic acid and glycine.